The following is an entry in ClinVar:

ClinVar aggregate classification (germline): Pathogenic. Review status: criteria provided, multiple submitters, no conflicts (2 of 4 stars). 2 submissions from 2 submitters: Pathogenic (2). Last evaluated 2024-08-29.

Conditions:
3-methylglutaconic aciduria type 8. Also called: 3-methylglutaconic aciduria, type VIII. Identifiers: Orphanet 505208, MedGen C4310650, MONDO:0044723, OMIM 617248.

Allele frequency attached by ClinVar (database versions not stated): gnomAD exomes 0.00001.
gnomAD v4.1: 13 of 1,613,560 alleles (0.00081%); highest among the groups gnomAD compares: African/African-American, 0.0027%; no homozygotes.

Submissions (2):

Undiagnosed Diseases Network, NIH
Classification: Pathogenic for 3-methylglutaconic aciduria type 8. Last evaluated: 2024-08-29. Review status: criteria provided, single submitter. Criteria: ACMG Guidelines, 2015. Collection method: clinical testing. Allele origin: unknown. Affected: yes. Observed: 1 compound heterozygote. Study: Undiagnosed Diseases Network (NIH), UDN.

Labcorp Genetics (formerly Invitae), Labcorp
Classification: Pathogenic. Last evaluated: 2022-08-09. Review status: criteria provided, single submitter. Criteria: Invitae Variant Classification Sherloc (09022015). Collection method: clinical testing. Allele origin: germline.
Comment: This sequence change creates a premature translational stop signal (p.Arg380*) in the HTRA2 gene. It is expected to result in an absent or disrupted protein product. Loss-of-function variants in HTRA2 are known to be pathogenic (PMID: 25531304, 27208207, 27696117). This variant is present in population databases (no rsID available, gnomAD 0.007%). This variant has not been reported in the literature in individuals affected with HTRA2-related conditions. ClinVar contains an entry for this variant (Variation ID: 1455851). For these reasons, this variant has been classified as Pathogenic.

Literature cited by the submitters: PubMed 25531304 (cited by Labcorp Genetics (formerly Invitae), Labcorp); PubMed 27208207 (cited by Labcorp Genetics (formerly Invitae), Labcorp); PubMed 27696117 (cited by Labcorp Genetics (formerly Invitae), Labcorp).

NM_013247.5(HTRA2):c.1138C>T (p.Arg380Ter)

Genes: HTRA2 (HtrA serine peptidase 2; plus strand), LOXL3 (lysyl oxidase like 3; minus strand). Cytogenetic location: 2p13.1.
Variant type: single nucleotide variant.
Coding change: c.1138C>T on transcript NM_013247.5 (MANE Select); coding-DNA position 1138, C replaced by T.
Protein change: p.Arg380Ter; replaces arginine 380 with a stop codon.
Molecular consequence: nonsense. On other transcripts: non-coding transcript variant (4), 3 prime UTR variant (3), intron variant (3).
Genome position (GRCh38, 1-based): chr2:74,532,641, C>T. VCF-style: chr2-74532641-C-T. GRCh37 (hg19) VCF-style: chr2-74759768-C-T.
Other names: p.Arg380X; c.*965G>A (NM_001289164.3, NM_001289165.2, NM_032603.5); c.1146-179C>T (NM_001321727.1); c.1116-179C>T (NM_001321728.1); c.921-179C>T (NM_145074.2); short protein forms R380*.
Identifiers: ClinVar variation 1455851 (VCV001455851.9), dbSNP rs1407675367, ClinGen allele CA347382090.